The following is an entry in ClinVar:

NM_015910.7(WDPCP):c.1852C>G (p.Leu618Val)

Gene: WDPCP (WD repeat containing planar cell polarity effector; minus strand). Cytogenetic location: 2p15.
Variant type: single nucleotide variant.
Coding change: c.1852C>G on transcript NM_015910.7 (MANE Select); coding-DNA position 1852, C replaced by G.
Protein change: p.Leu618Val; replaces leucine 618 with valine.
Molecular consequence: missense variant. On other transcripts: non-coding transcript variant (2).
Genome position (GRCh38, 1-based): chr2:63,259,370, G>C on the plus strand (C>G on the coding strand, the complement: WDPCP is on the minus strand). VCF-style: chr2-63259370-G-C. GRCh37 (hg19) VCF-style: chr2-63486505-G-C.
Other names: c.1375C>G, p.Leu459Val (NM_001042692.3); c.1780C>G, p.Leu594Val (NM_001354044.2); short protein forms L459V, L618V, L594V.
Identifiers: ClinVar variation 5002338 (VCV005002338.1).

ClinVar aggregate classification (germline): Uncertain significance (1 of 4 stars; one submission).

Conditions:
WDPCP-related disorder. Also called: WDPCP-related condition.

Submission:

PreventionGenetics, part of Exact Sciences
Classification: Uncertain significance for WDPCP-related condition. Last evaluated: 2025-02-17. Review status: criteria provided, single submitter. Criteria: ACMG Guidelines, 2015. Collection method: clinical testing. Allele origin: germline.
Comment: The WDPCP c.1852C>G variant is predicted to result in the amino acid substitution p.Leu618Val. To our knowledge, this variant has not been reported in the literature or in a large population database (gnomAD), indicating this variant is rare. At this time, the clinical significance of this variant is uncertain due to the absence of conclusive functional and genetic evidence.